The following is an entry in ClinVar:

NM_005419.4(STAT2):c.1024G>A (p.Val342Ile)

Gene: STAT2 (signal transducer and activator of transcription 2; minus strand). Cytogenetic location: 12q13.3.
Variant type: single nucleotide variant.
Coding change: c.1024G>A on transcript NM_005419.4 (MANE Select); coding-DNA position 1024, G replaced by A.
Protein change: p.Val342Ile; replaces valine 342 with isoleucine.
Molecular consequence: missense variant.
Genome position (GRCh38, 1-based): chr12:56,351,108, C>T on the plus strand (G>A on the coding strand, the complement: STAT2 is on the minus strand). VCF-style: chr12-56351108-C-T. GRCh37 (hg19) VCF-style: chr12-56744892-C-T.
Other names: c.1024G>A (NM_005419.3); c.1012G>A, p.Val338Ile (NM_001385110.1, NM_001385115.1, NM_198332.2); c.1024G>A, p.Val342Ile (NM_001385111.1, NM_001385113.1, NM_001385114.1); short protein forms V342I, V338I.
Identifiers: ClinVar variation 1402034 (VCV001402034.9), dbSNP rs139440046, ClinGen allele CA6630693.
Genomic context (GRCh38, chr12:56,351,108, plus strand): 5'-CAGTGGCAGGGTTGGAAAAAGGAAGTGGGAATGAGTTCTGGAATGCCAACCTTGTTCGGA[C>T]GGTGAACTTGCTGCCAGTCTTGAGGATGAGGGGTCGATGGGGAGTTTGGGGCATGCAGGG-3'
Protein context (NP_005410.1, residues 332-352): LILKTGSKFT[Val342Ile]RTRLLVRLQE

ClinVar aggregate classification (germline): Uncertain significance. Review status: criteria provided, multiple submitters, no conflicts (2 of 4 stars). 2 submissions from 2 submitters: Uncertain significance (2). Last evaluated 2025-05-26.

Conditions:
Inborn genetic diseases. Identifiers: MedGen C0950123, MeSH D030342.
Primary immunodeficiency with post-measles-mumps-rubella vaccine viral infection. Also called: Immunodeficiency 44. Identifiers: Orphanet 431166, MedGen C4225260, MONDO:0014715, OMIM 616636.

Allele frequency attached by ClinVar (database versions not stated): ExAC 0.00001; gnomAD exomes 0.00002; gnomAD 0.00004 and 0.00005; TOPMed 0.00004; 1000 Genomes Project 0.00040; 1000 Genomes Project 30x 0.00047.

Submissions (2):

Ambry Genetics
Classification: Uncertain significance for Inborn genetic diseases. Last evaluated: 2025-05-26. Review status: criteria provided, single submitter. Criteria: Ambry Variant Classification Scheme 2023. Collection method: clinical testing. Allele origin: germline.

Labcorp Genetics (formerly Invitae), Labcorp
Classification: Uncertain significance for Primary immunodeficiency with post-measles-mumps-rubella vaccine viral infection. Last evaluated: 2021-05-26. Review status: criteria provided, single submitter. Criteria: Invitae Variant Classification Sherloc (09022015). Collection method: clinical testing. Allele origin: germline.
Comment: This sequence change replaces valine with isoleucine at codon 342 of the STAT2 protein (p.Val342Ile). The valine residue is moderately conserved and there is a small physicochemical difference between valine and isoleucine. In summary, the available evidence is currently insufficient to determine the role of this variant in disease. Therefore, it has been classified as a Variant of Uncertain Significance. Algorithms developed to predict the effect of missense changes on protein structure and function output the following: SIFT: "Tolerated"; PolyPhen-2: "Benign"; Align-GVGD: "Class C0". The isoleucine amino acid residue is found in multiple mammalian species, suggesting that this missense change does not adversely affect protein function. These predictions have not been confirmed by published functional studies and their clinical significance is uncertain. This variant has not been reported in the literature in individuals with STAT2-related conditions. This variant is present in population databases (rs139440046, ExAC 0.006%).